The following is an entry in ClinVar:

ClinVar aggregate classification (germline): Conflicting classifications of pathogenicity. Review status: criteria provided, conflicting classifications (1 of 4 stars). 3 submissions from 3 submitters: Uncertain significance (2); Likely benign (1). Last evaluated 2025-04-23.

Conditions:
Dilated cardiomyopathy 1KK (CMD1KK). Identifiers: Orphanet 154, Orphanet 75249, MedGen C3714995, MONDO:0014100, OMIM 615248.
Cardiovascular phenotype. Identifiers: MedGen CN230736.

Allele frequency attached by ClinVar (database versions not stated): gnomAD 0.00002; gnomAD exomes 0.00002 and 0.00005; TOPMed 0.00003; ExAC 0.00006.
gnomAD v4.1: 40 of 1,614,092 alleles (0.0025%); highest among the groups gnomAD compares: Middle Eastern, 0.016%; no homozygotes.

Submissions (3):

GeneDx
Classification: Uncertain significance. Last evaluated: 2025-04-23. Review status: criteria provided, single submitter. Criteria: GeneDx Variant Classification Process June 2021. Collection method: clinical testing. Allele origin: germline.
Comment: Identified in a patient with LVNC in published literature (PMID: 30471092); In silico analysis indicates that this missense variant does not alter protein structure/function; This variant is associated with the following publications: (PMID: 30471092)

Ambry Genetics
Classification: Likely benign for Cardiovascular phenotype. Last evaluated: 2025-01-10. Review status: criteria provided, single submitter. Criteria: Ambry Variant Classification Scheme 2023. Collection method: clinical testing. Allele origin: germline.

Labcorp Genetics (formerly Invitae), Labcorp
Classification: Uncertain significance for Dilated cardiomyopathy 1KK. Last evaluated: 2022-07-06. Review status: criteria provided, single submitter. Criteria: Invitae Variant Classification Sherloc (09022015). Collection method: clinical testing. Allele origin: germline.
Comment: This sequence change replaces serine, which is neutral and polar, with asparagine, which is neutral and polar, at codon 749 of the MYPN protein (p.Ser749Asn). This variant is present in population databases (rs780085391, gnomAD 0.06%). This variant has not been reported in the literature in individuals affected with MYPN-related conditions. ClinVar contains an entry for this variant (Variation ID: 1057240). Algorithms developed to predict the effect of missense changes on protein structure and function output the following: SIFT: "Tolerated"; PolyPhen-2: "Benign"; Align-GVGD: "Class C0". The asparagine amino acid residue is found in multiple mammalian species, which suggests that this missense change does not adversely affect protein function. In summary, the available evidence is currently insufficient to determine the role of this variant in disease. Therefore, it has been classified as a Variant of Uncertain Significance.

Literature cited by the submitters: PubMed 30471092 (cited by Ambry Genetics).

NM_032578.4(MYPN):c.2246G>A (p.Ser749Asn)

Gene: MYPN (myopalladin; plus strand). Cytogenetic location: 10q21.3.
Variant type: single nucleotide variant.
Coding change: c.2246G>A on transcript NM_032578.4 (MANE Select); coding-DNA position 2246, G replaced by A.
Protein change: p.Ser749Asn; replaces serine 749 with asparagine.
Molecular consequence: missense variant. On other transcripts: non-coding transcript variant (2).
Genome position (GRCh38, 1-based): chr10:68,174,338, G>A. VCF-style: chr10-68174338-G-A. GRCh37 (hg19) VCF-style: chr10-69934095-G-A.
Other names: c.2246G>A, p.Ser749Asn (NM_001256267.2); c.1364G>A, p.Ser455Asn (NM_001256268.2); c.2246G>A (NM_032578.3); short protein forms S455N, S749N.
Identifiers: ClinVar variation 1057240 (VCV001057240.11), dbSNP rs780085391, ClinGen allele CA5522760.